The following is an entry in ClinVar:

ClinVar aggregate classification (germline): Likely benign (1 of 4 stars; one submission).

gnomAD v4.1: 3 of 1,567,316 alleles (0.00019%); highest among the groups gnomAD compares: Non-Finnish European, 0.00026%; no homozygotes.

Submission:

CeGaT Center for Human Genetics Tuebingen
Classification: Likely benign. Last evaluated: 2024-07-01. Review status: criteria provided, single submitter. Criteria: CeGaT Center For Human Genetics Tuebingen Variant Classification Criteria Version 2. Collection method: clinical testing. Allele origin: germline. Affected: yes. Observed: 1 variant allele.
Comment: APC2: BP4, BP7

NM_005883.3(APC2):c.1251T>A (p.Ala417=)

Gene: APC2 (APC regulator of Wnt signaling pathway 2; plus strand). Cytogenetic location: 19p13.3.
Variant type: single nucleotide variant.
Coding change: c.1251T>A on transcript NM_005883.3 (MANE Select); coding-DNA position 1251, T replaced by A.
Protein change: p.Ala417=; no amino-acid change (alanine 417 retained).
Molecular consequence: synonymous variant.
Genome position (GRCh38, 1-based): chr19:1,458,008, T>A. VCF-style: chr19-1458008-T-A. GRCh37 (hg19) VCF-style: chr19-1458007-T-A.
Other names: c.1248T>A, p.Ala416= (NM_001351273.1).
Identifiers: ClinVar variation 3257524 (VCV003257524.17).